The following is an entry in ClinVar:

NM_000179.3(MSH6):c.2041C>A (p.Leu681Ile)

Gene: MSH6 (mutS homolog 6; plus strand). Cytogenetic location: 2p16.3.
Variant type: single nucleotide variant.
Coding change: c.2041C>A on transcript NM_000179.3 (MANE Select); coding-DNA position 2041, C replaced by A.
Protein change: p.Leu681Ile; replaces leucine 681 with isoleucine.
Molecular consequence: missense variant.
Genome position (GRCh38, 1-based): chr2:47,800,024, C>A. VCF-style: chr2-47800024-C-A. GRCh37 (hg19) VCF-style: chr2-48027163-C-A.
Other names: c.1651C>A, p.Leu551Ile (NM_001281492.2); c.1135C>A, p.Leu379Ile (NM_001281493.2, NM_001281494.2, NM_001406811.1 and 6 more transcripts); c.2137C>A, p.Leu713Ile (NM_001406795.1, NM_001406802.1); c.2041C>A, p.Leu681Ile (NM_001406796.1, NM_001406798.1, NM_001406800.1 and 3 more transcripts); c.1744C>A, p.Leu582Ile (NM_001406797.1, NM_001406801.1, NM_001406805.1 and 10 more transcripts); c.1516C>A, p.Leu506Ile (NM_001406799.1, NM_001406806.1, NM_001406807.1); c.1963C>A, p.Leu655Ile (NM_001406804.1); c.2047C>A, p.Leu683Ile (NM_001406813.1); and 1 more; short protein forms L551I, L506I, L683I, L713I, L379I, L655I, L582I, L625I.
Identifiers: ClinVar variation 1784912 (VCV001784912.3), dbSNP rs1553413412, ClinGen allele CA346750743.
Genomic context (GRCh38, chr2:47,800,024, plus strand): 5'-GGTATGACTTCAGAGTCTGATTCCATTGGGTTGACACCAGGAGAGAAAAGTGAATTGGCC[C>A]TCTCTGCTCTAGGTGGTTGTGTCTTCTACCTCAAAAAATGCCTTATTGATCAGGAGCTTT-3'
Protein context (NP_000170.1, residues 671-691): LTPGEKSELA[Leu681Ile]SALGGCVFYL

ClinVar aggregate classification (germline): Uncertain significance (1 of 4 stars; one submission).

Conditions:
Hereditary cancer-predisposing syndrome. Also called: Neoplastic Syndromes, Hereditary; Tumor predisposition; Hereditary Cancer Syndrome; Hereditary neoplastic syndrome. Identifiers: Orphanet 140162, MedGen C0027672, MeSH D009386, MONDO:0015356.

Submission:

Ambry Genetics
Classification: Uncertain significance for Hereditary cancer-predisposing syndrome. Last evaluated: 2022-12-02. Review status: criteria provided, single submitter. Criteria: Ambry Variant Classification Scheme 2023. Collection method: clinical testing. Allele origin: germline.
Comment: The p.L681I variant (also known as c.2041C>A), located in coding exon 4 of the MSH6 gene, results from a C to A substitution at nucleotide position 2041. The leucine at codon 681 is replaced by isoleucine, an amino acid with highly similar properties. This amino acid position is highly conserved in available vertebrate species. In addition, the in silico prediction for this alteration is inconclusive. Since supporting evidence is limited at this time, the clinical significance of this alteration remains unclear.